The following is an entry in ClinVar:

ClinVar aggregate classification (germline): Uncertain significance (1 of 4 stars; one submission).

Conditions:
Hepatic methionine adenosyltransferase deficiency. Also called: Methionine adenosyltransferase deficiency; Deficiency of methionine adenosyltransferase; Isolated Persistent Hypermethioninemia; MAT I/III DEFICIENCY. Identifiers: Orphanet 168598, MedGen C0268621, MeSH C564683, MONDO:0009607, OMIM 250850.

Allele frequency attached by ClinVar (database versions not stated): gnomAD exomes 0.00001; gnomAD 0.00001; TOPMed 0.00002; ExAC 0.00002.
gnomAD v4.1: 21 of 1,613,964 alleles (0.0013%); highest among the groups gnomAD compares: South Asian, 0.014%; no homozygotes.

Submission:

Labcorp Genetics (formerly Invitae), Labcorp
Classification: Uncertain significance for Hepatic methionine adenosyltransferase deficiency. Last evaluated: 2025-10-21. Review status: criteria provided, single submitter. Criteria: Invitae Variant Classification Sherloc (09022015). Collection method: clinical testing. Allele origin: germline.
Comment: This sequence change replaces arginine, which is basic and polar, with cysteine, which is neutral and slightly polar, at codon 169 of the MAT1A protein (p.Arg169Cys). This variant is present in population databases (rs759930801, gnomAD 0.01%). This variant has not been reported in the literature in individuals affected with MAT1A-related conditions. ClinVar contains an entry for this variant (Variation ID: 2882571). Invitae Evidence Modeling of protein sequence and biophysical properties (such as structural, functional, and spatial information, amino acid conservation, physicochemical variation, residue mobility, and thermodynamic stability) indicates that this missense variant is expected to disrupt MAT1A protein function with a positive predictive value of 80%. In summary, the available evidence is currently insufficient to determine the role of this variant in disease. Therefore, it has been classified as a Variant of Uncertain Significance.

NM_000429.3(MAT1A):c.505C>T (p.Arg169Cys)

Gene: MAT1A (methionine adenosyltransferase 1A; minus strand). Cytogenetic location: 10q22.3.
Variant type: single nucleotide variant.
Coding change: c.505C>T on transcript NM_000429.3 (MANE Select); coding-DNA position 505, C replaced by T.
Protein change: p.Arg169Cys; replaces arginine 169 with cysteine.
Molecular consequence: missense variant.
Genome position (GRCh38, 1-based): chr10:80,280,217, G>A on the plus strand (C>T on the coding strand, the complement: MAT1A is on the minus strand). VCF-style: chr10-80280217-G-A. GRCh37 (hg19) VCF-style: chr10-82039973-G-A.
Other names: short protein forms R169C.
Identifiers: ClinVar variation 2882571 (VCV002882571.3), dbSNP rs759930801, ClinGen allele CA5576779.
Genomic context (GRCh38, chr10:80,280,217, plus strand): 5'-TAATTCAGCTGCTCACCTGAGTCTTAGAGTCAGGCCGCAGCCAGGGGAGGAGGCCGGAGC[G>A]CCTGAGGTCTGCCATCCGGGCGTTGAGCTTGTGAGCAAGGATGATGGTGAGGGGCATGCA-3'
Protein context (NP_000420.1, residues 159-179): KLNARMADLR[Arg169Cys]SGLLPWLRPD